The following is an entry in ClinVar:

ClinVar aggregate classification (germline): Uncertain significance. Review status: criteria provided, multiple submitters, no conflicts (2 of 4 stars). 3 submissions from 3 submitters: Uncertain significance (3). Last evaluated 2024-12-16.

Conditions:
PKD1-related disorder. Also called: PKD1-related condition.
Polycystic kidney disease, adult type (PKD1). Also called: Polycystic Kidney Disease 1, Autosomal Dominant; Polycystic kidney disease 1; Polycystic kidney disease 1, severe; POLYCYSTIC KIDNEY DISEASE 1 WITH OR WITHOUT POLYCYSTIC LIVER DISEASE; POLYCYSTIC KIDNEY DISEASE, ADULT, TYPE I; Polycystic Kidney, Autosomal Dominant. Identifiers: MedGen C3149841, MONDO:0008263, OMIM 173900.

gnomAD v4.1: 207 of 1,599,100 alleles (0.013%); highest among the groups gnomAD compares: Non-Finnish European, 0.016%; no homozygotes.

Submissions (3):

PreventionGenetics, part of Exact Sciences
Classification: Uncertain significance for PKD1-related condition. Last evaluated: 2024-12-16. Review status: criteria provided, single submitter. Criteria: ACMG Guidelines, 2015. Collection method: clinical testing. Allele origin: germline.
Comment: The PKD1 c.1964C>T variant is predicted to result in the amino acid substitution p.Pro655Leu. To our knowledge, this variant has not been reported in the literature. This variant is reported in 0.013% of alleles in individuals of European (Non-Finnish) descent in gnomAD. Although we suspect that this variant may be benign, at this time, the clinical significance of this variant is uncertain due to the absence of conclusive functional and genetic evidence.

Women's Health and Genetics/Laboratory Corporation of America, LabCorp
Classification: Uncertain significance. Last evaluated: 2024-05-24. Review status: criteria provided, single submitter. Criteria: LabCorp Variant Classification Summary - May 2015. Collection method: clinical testing. Allele origin: germline.
Comment: Variant summary: PKD1 c.1964C>T (p.Pro655Leu) results in a non-conservative amino acid change located in the Polycystin cation channel domain (IPR006228) of the encoded protein sequence. Three of five in-silico tools predict a damaging effect of the variant on protein function. The variant allele was found at a frequency of 8.1e-05 in 172874 control chromosomes (gnomAD). This frequency is not significantly higher than estimated for a pathogenic variant in PKD1 causing Polycystic Kidney Disease 1 (8.1e-05 vs 0.0005), allowing no conclusion about variant significance. To our knowledge, no occurrence of c.1964C>T in individuals affected with Polycystic Kidney Disease 1 and no experimental evidence demonstrating its impact on protein function have been reported. No submitters have cited clinical-significance assessments for this variant to ClinVar. Based on the evidence outlined above, the variant was classified as uncertain significance.

Department of Pathology and Laboratory Medicine, Sinai Health System
Classification: Uncertain significance for Polycystic kidney disease, adult type. Last evaluated: 2018-04-25. Review status: criteria provided, single submitter. Criteria: ACMG Guidelines, 2015. Collection method: clinical testing. Allele origin: germline. Affected: yes.

NM_001009944.3(PKD1):c.1964C>T (p.Pro655Leu)

Gene: PKD1 (polycystin 1, transient receptor potential channel interacting; minus strand). Cytogenetic location: 16p13.3.
Variant type: single nucleotide variant.
Coding change: c.1964C>T on transcript NM_001009944.3 (MANE Select); coding-DNA position 1964, C replaced by T.
Protein change: p.Pro655Leu; replaces proline 655 with leucine.
Molecular consequence: missense variant.
Genome position (GRCh38, 1-based): chr16:2,115,511, G>A on the plus strand (C>T on the coding strand, the complement: PKD1 is on the minus strand). VCF-style: chr16-2115511-G-A. GRCh37 (hg19) VCF-style: chr16-2165512-G-A.
Other names: c.1964C>T, p.Pro655Leu (NM_000296.4); short protein forms P655L.
Identifiers: ClinVar variation 3336396 (VCV003336396.3).